The following is an entry in ClinVar:

ClinVar aggregate classification (germline): Pathogenic (1 of 4 stars; one submission).

Conditions:
Argininosuccinate lyase deficiency. Also called: ARGININOSUCCINIC ACID LYASE DEFICIENCY; ASL DEFICIENCY; Argininosuccinic aciduria. Identifiers: Orphanet 23, MedGen C0268547, MONDO:0008815, OMIM 207900, HP:0025630.

Allele frequency attached by ClinVar (database versions not stated): gnomAD exomes below 0.00001; TOPMed below 0.00001.
gnomAD v4.1: 3 of 1,614,168 alleles (0.00019%); highest among the groups gnomAD compares: African/African-American, 0.0027%; no homozygotes.

Submission:

Labcorp Genetics (formerly Invitae), Labcorp
Classification: Pathogenic for Argininosuccinate lyase deficiency. Last evaluated: 2025-10-26. Review status: criteria provided, single submitter. Criteria: Invitae Variant Classification Sherloc (09022015). Collection method: clinical testing. Allele origin: germline.
Comment: This sequence change replaces aspartic acid, which is acidic and polar, with histidine, which is basic and polar, at codon 231 of the ASL protein (p.Asp231His). This variant is not present in population databases (gnomAD no frequency). This missense change has been observed in individual(s) with clinical features of ASL-related conditions (internal data). ClinVar contains an entry for this variant (Variation ID: 1914880). Invitae Evidence Modeling of protein sequence and biophysical properties (such as structural, functional, and spatial information, amino acid conservation, physicochemical variation, residue mobility, and thermodynamic stability) indicates that this missense variant is expected to disrupt ASL protein function with a positive predictive value of 95%. Algorithms developed to predict the effect of sequence changes on RNA splicing suggest that this variant may disrupt the consensus splice site. For these reasons, this variant has been classified as Pathogenic.

NM_000048.4(ASL):c.691G>C (p.Asp231His)

Gene: ASL (argininosuccinate lyase; plus strand). Cytogenetic location: 7q11.21.
Variant type: single nucleotide variant.
Coding change: c.691G>C on transcript NM_000048.4 (MANE Select); coding-DNA position 691, G replaced by C.
Protein change: p.Asp231His; replaces aspartic acid 231 with histidine.
Molecular consequence: missense variant.
Genome position (GRCh38, 1-based): chr7:66,087,764, G>C. VCF-style: chr7-66087764-G-C. GRCh37 (hg19) VCF-style: chr7-65552751-G-C.
Other names: c.691G>C, p.Asp231His (NM_001024943.2, NM_001024944.2); c.613G>C, p.Asp205His (NM_001024946.2); short protein forms D231H, D205H.
Identifiers: ClinVar variation 1914880 (VCV001914880.5), dbSNP rs1786713307, ClinGen allele CA367644685.